The following is an entry in ClinVar:

NM_000075.4(CDK4):c.820-7C>T

Genes: TSPAN31 (tetraspanin 31; plus strand), CDK4 (cyclin dependent kinase 4; minus strand), MIR6759 (microRNA 6759; minus strand). Cytogenetic location: 12q14.1.
Variant type: single nucleotide variant.
Coding change: c.820-7C>T on transcript NM_000075.4 (MANE Select); 7 bases into the intron before coding-DNA position 820, C replaced by T.
Molecular consequence: intron variant. On other transcripts: non-coding transcript variant (1), 3 prime UTR variant (3).
Genome position (GRCh38, 1-based): chr12:57,748,624, G>A on the plus strand (C>T on the coding strand, the complement: CDK4 is on the minus strand). VCF-style: chr12-57748624-G-A. GRCh37 (hg19) VCF-style: chr12-58142407-G-A.
Other names: c.*1334G>A (NM_001330168.2, NM_001330169.2, NM_005981.5).
Identifiers: ClinVar variation 3378559 (VCV003378559.1).

ClinVar aggregate classification (germline): Likely benign (1 of 4 stars; one submission).

Conditions:
Melanoma, cutaneous malignant, susceptibility to, 3. Also called: Cutaneous malignant melanoma 3. Identifiers: Orphanet 618, MedGen C1836892, MONDO:0012183, OMIM 609048.

Submission:

Myriad Genetics, Inc.
Classification: Likely benign for Melanoma, cutaneous malignant, susceptibility to, 3. Last evaluated: 2024-09-26. Review status: criteria provided, single submitter. Criteria: Myriad Autosomal Dominant, Autosomal Recessive and X-Linked Classification Criteria (2023). Collection method: clinical testing. Allele origin: unknown.
Comment: This variant is considered likely benign. This variant is intronic and is not expected to impact mRNA splicing.